The following is an entry in ClinVar:

NM_001037763.3(COL28A1):c.1208C>G (p.Pro403Arg)

Gene: COL28A1 (collagen type XXVIII alpha 1 chain; minus strand). Cytogenetic location: 7p21.3.
Variant type: single nucleotide variant.
Coding change: c.1208C>G on transcript NM_001037763.3 (MANE Select); coding-DNA position 1208, C replaced by G.
Protein change: p.Pro403Arg; replaces proline 403 with arginine.
Molecular consequence: missense variant.
Genome position (GRCh38, 1-based): chr7:7,477,137, G>C on the plus strand (C>G on the coding strand, the complement: COL28A1 is on the minus strand). VCF-style: chr7-7477137-G-C. GRCh37 (hg19) VCF-style: chr7-7516768-G-C.
Other names: short protein forms P403R.
Identifiers: ClinVar variation 2657316 (VCV002657316.24), dbSNP rs1788958506, ClinGen allele CA366817695.

ClinVar aggregate classification (germline): Uncertain significance (1 of 4 stars; one submission).

Allele frequency attached by ClinVar (database versions not stated): gnomAD exomes below 0.00001.
gnomAD v4.1: 2 of 1,350,292 alleles (0.00015%); highest among the groups gnomAD compares: African/African-American, 0.0014%; no homozygotes.

Submission:

CeGaT Center for Human Genetics Tuebingen
Classification: Uncertain significance. Last evaluated: 2022-06-01. Review status: criteria provided, single submitter. Criteria: CeGaT Center For Human Genetics Tuebingen Variant Classification Criteria Version 2. Collection method: clinical testing. Allele origin: germline. Affected: yes. Observed: 1 variant allele.
Comment: COL28A1: PM2